The following is an entry in ClinVar:

NM_138694.4(PKHD1):c.4583dup (p.Thr1529fs)

Genes: PKHD1 (PKHD1 ciliary IPT domain containing fibrocystin/polyductin; minus strand), LOC126859690 (MED14-independent group 3 enhancer GRCh37_chr6:51888848-51890047; plus strand). Cytogenetic location: 6p12.2.
Variant type: Duplication.
Coding change: c.4583dup on transcript NM_138694.4 (MANE Select); coding-DNA position 4583, one base duplicated (T; older notation c.4583dupT).
Protein change: p.Thr1529fs; shifts the reading frame from threonine 1529.
Molecular consequence: frameshift variant.
Genome position (GRCh38, 1-based): chr6:52,025,227, A duplicated on the plus strand (T on the coding strand, the reverse complement: PKHD1 is on the minus strand). VCF-style (leftmost placement, unchanged base first): chr6-52025226-T-TA. GRCh37 (hg19) VCF-style: chr6-51890024-T-TA.
Other names: c.4583dup (NM_138694.3); c.4583dup, p.Thr1529fs (NM_170724.3); short protein forms T1529fs.
Identifiers: ClinVar variation 3593916 (VCV003593916.3).
Genomic context (GRCh38, chr6:52,025,226, plus strand): 5'-GTGGGGTCCTGGGGCCAAGTCTCTTGTCTGGCACACAACGTGGCTTGCATTAAAAAAAGT[T>TA]ACATTGCAAGGAAGTTGATCATCCACAAATACCATCGGCTCATCAGCTGTGGTGGCTAAC-3'

ClinVar aggregate classification (germline): Likely pathogenic. Review status: criteria provided, multiple submitters, no conflicts (2 of 4 stars). 2 submissions from 2 submitters: Likely pathogenic (2). Last evaluated 2025-02-25.

Conditions:
Polycystic kidney disease 4 (PKD4). Also called: Autosomal Recessive Polycystic Kidney Disease – PKHD1; PKD3; POLYCYSTIC KIDNEY AND HEPATIC DISEASE 1; POLYCYSTIC KIDNEY DISEASE, INFANTILE, TYPE I; POLYCYSTIC KIDNEY DISEASE 4 WITH OR WITHOUT POLYCYSTIC LIVER DISEASE. Identifiers: MedGen C4540575, MONDO:0033004, OMIM 263200.
Autosomal recessive polycystic kidney disease (ARPKD). Also called: AR polycystic kidney disease. Identifiers: Orphanet 731, Orphanet 8378, MedGen C0085548, MeSH D017044, MONDO:0009889.

Submissions (2):

Natera, Inc.
Classification: Likely pathogenic for Autosomal recessive polycystic kidney disease. Last evaluated: 2025-02-25. Review status: criteria provided, single submitter. Criteria: Natera Variant Classification Schema (03/2026). Collection method: clinical testing. Allele origin: germline.
Comment: The c.4583dup variant in PKHD1 is a frameshift variant predicted to shift the reading frame beginning at codon 1529 and leads to a stop codon 4 codons downstream. This variant is expected to result in nonsense mediated decay, truncation, or a dysfunctional protein product. This variant is rare in the general population with a frequency below the threshold expected for the associated phenotype(s). Given the available evidence, this variant is classified as Likely Pathogenic.

Fulgent Genetics
Classification: Likely pathogenic for Polycystic kidney disease 4. Last evaluated: 2024-03-27. Review status: criteria provided, single submitter. Criteria: ACMG Guidelines, 2015. Collection method: clinical testing. Allele origin: germline.